The following is an entry in ClinVar:

ClinVar aggregate classification (germline): Pathogenic (0 of 4 stars; one submission).

Conditions:
Beckwith-Wiedemann syndrome (BWS). Also called: EMG SYNDROME; Exomphalos macroglossia gigantism syndrome. Identifiers: Orphanet 116, MedGen C0004903, MONDO:0007534, OMIM 130650.

Submission:

Centre de Recherche Saint Antoine,  Université Pierre et Marie Curie
Classification: Pathogenic for Beckwith-Wiedemann syndrome. Review status: no assertion criteria provided. Collection method: not provided. Allele origin: unknown.
ClinVar note: Converted during submission from pathogenic to Pathogenic.

NM_001122630.2(CDKN1C):c.300dup (p.Ala101fs)

Gene: CDKN1C (cyclin dependent kinase inhibitor 1C; minus strand). Cytogenetic location: 11p15.4.
Variant type: Duplication.
Coding change: c.300dup on transcript NM_001122630.2 (MANE Select); coding-DNA position 300, one base duplicated (C; older notation c.300dupC).
Protein change: p.Ala101fs; shifts the reading frame from alanine 101.
Molecular consequence: frameshift variant. On other transcripts: intron variant (1).
Genome position (GRCh38, 1-based): chr11:2,885,157, G duplicated on the plus strand (C on the coding strand, the reverse complement: CDKN1C is on the minus strand). VCF-style (leftmost placement, unchanged base first): chr11-2885156-C-CG. GRCh37 (hg19) VCF-style: chr11-2906386-C-CG.
Other names: c.333dup, p.Ala112fs (LRG_533t1, NM_001362474.2); c.300dup, p.Ala101fs (NM_001122631.2); c.255+45dup (NM_001362475.2); short protein forms A112fs, A101fs.
Identifiers: ClinVar variation 132848 (VCV000132848.2), dbSNP rs786205235, ClinGen allele CA274886.
Genomic context (GRCh38, chr11:2,885,156, plus strand): 5'-CCTCCTCGAGGCCGTCGAGGGACTCAGCGGCCGGCTCGAGGGGCGGGCTGACAGCCACCG[C>CG]GACCGCGACGGGCCGCGGCGCCAGCAGCAGGCGGCAGCGCCCCACCTGCACCGTCTCGCG-3'